The following is an entry in ClinVar:

GRCh38/hg38 9p24.3-24.1(chr9:220253-6968724)x1

Genes: AK3 (adenylate kinase 3; minus strand), BRD10 (bromodomain containing 10; minus strand), CD274 (CD274 molecule; plus strand), CDC37L1 (cell division cycle 37 like 1, HSP90 cochaperone; plus strand), CDC37L1-DT (CDC37L1 divergent transcript; minus strand) and 209 more. Cytogenetic location: 9p24.3-24.1.
Variant type: copy number loss.
Change: copy number 1 (one copy instead of two) of chr9:220,253-6,968,724 (6.75 Mb, GRCh38 coordinates, 1-based), cytogenetic band 9p24.3-24.1.
Identifiers: ClinVar variation 59065 (VCV000059065.1).

ClinVar aggregate classification (germline): Pathogenic (1 of 4 stars; one submission).

Submission:

ISCA site 17
Classification: Pathogenic. Last evaluated: 2011-08-12. Review status: criteria provided, single submitter. Criteria: Kaminsky et al. (Genet Med. 2011). Collection method: clinical testing. Allele origin: unknown. Affected: yes. Observed: 1 variant allele.
Comment: Copy number variation identified through the course of routine clinical cytogenomic testing in postnatal populations. Clinical assertions have been curated as described in Kaminsky et al. 2011.